The following is an entry in ClinVar:

ClinVar aggregate classification (germline): Uncertain significance. Review status: criteria provided, multiple submitters, no conflicts (2 of 4 stars). 2 submissions from 2 submitters: Uncertain significance (2). Last evaluated 2026-01-19.

Allele frequency attached by ClinVar (database versions not stated): gnomAD exomes 0.00001 and 0.00004; gnomAD 0.00002; TOPMed 0.00004; ExAC 0.00007.

Submissions (2):

Labcorp Genetics (formerly Invitae), Labcorp
Classification: Uncertain significance. Last evaluated: 2026-01-19. Review status: criteria provided, single submitter. Criteria: Invitae Variant Classification Sherloc (09022015). Collection method: clinical testing. Allele origin: germline.
Comment: This sequence change replaces histidine, which is basic and polar, with tyrosine, which is neutral and polar, at codon 74 of the BAAT protein (p.His74Tyr). This variant is present in population databases (rs760592834, gnomAD 0.03%). This variant has not been reported in the literature in individuals affected with BAAT-related conditions. ClinVar contains an entry for this variant (Variation ID: 594759). Invitae Evidence Modeling of protein sequence and biophysical properties (such as structural, functional, and spatial information, amino acid conservation, physicochemical variation, residue mobility, and thermodynamic stability) indicates that this missense variant is not expected to disrupt BAAT protein function with a negative predictive value of 80%. In summary, the available evidence is currently insufficient to determine the role of this variant in disease. Therefore, it has been classified as a Variant of Uncertain Significance.

Eurofins Ntd Llc (ga)
Classification: Uncertain significance. Last evaluated: 2018-07-09. Review status: criteria provided, single submitter. Criteria: EGL ClinVar v180209 classification definitions. Collection method: clinical testing. Allele origin: germline. Observed: 2 variant alleles, 2 heterozygotes.

NM_001701.4(BAAT):c.220C>T (p.His74Tyr)

Gene: BAAT (bile acid-CoA:amino acid N-acyltransferase; minus strand). Cytogenetic location: 9q31.1.
Variant type: single nucleotide variant.
Coding change: c.220C>T on transcript NM_001701.4 (MANE Select); coding-DNA position 220, C replaced by T.
Protein change: p.His74Tyr; replaces histidine 74 with tyrosine.
Molecular consequence: missense variant.
Genome position (GRCh38, 1-based): chr9:101,371,185, G>A on the plus strand (C>T on the coding strand, the complement: BAAT is on the minus strand). VCF-style: chr9-101371185-G-A. GRCh37 (hg19) VCF-style: chr9-104133467-G-A.
Other names: c.220C>T, p.His74Tyr (NM_001127610.2, NM_001374715.1); short protein forms H74Y.
Identifiers: ClinVar variation 594759 (VCV000594759.7), dbSNP rs760592834, ClinGen allele CA5160763.